The following is an entry in ClinVar:

ClinVar aggregate classification (germline): Conflicting classifications of pathogenicity. Review status: criteria provided, conflicting classifications (1 of 4 stars). 4 submissions from 4 submitters: Uncertain significance (3); Likely benign (1). Last evaluated 2025-12-29.

Conditions:
MLH3-related disorder. Also called: MLH3-related condition.
Colorectal cancer, hereditary nonpolyposis, type 7. Identifiers: Orphanet 144, MedGen C1858380, MONDO:0013725, OMIM 614385.

Allele frequency attached by ClinVar (database versions not stated): TOPMed 0.00002; gnomAD exomes 0.00005; ExAC 0.00008; gnomAD 0.00008 and 0.00009.

Submissions (4):

Center for Genomic Medicine, Rigshospitalet, Copenhagen University Hospital
Classification: Uncertain significance. Last evaluated: 2025-12-29. Review status: criteria provided, single submitter. Criteria: ACMG Guidelines, 2015. Collection method: clinical testing. Allele origin: germline.

Labcorp Genetics (formerly Invitae), Labcorp
Classification: Uncertain significance for Colorectal cancer, hereditary nonpolyposis, type 7. Last evaluated: 2025-12-24. Review status: criteria provided, single submitter. Criteria: Invitae Variant Classification Sherloc (09022015). Collection method: clinical testing. Allele origin: germline.
Comment: This sequence change replaces serine, which is neutral and polar, with threonine, which is neutral and polar, at codon 812 of the MLH3 protein (p.Ser812Thr). This variant is present in population databases (rs763408801, gnomAD 0.01%). This variant has not been reported in the literature in individuals affected with MLH3-related conditions. ClinVar contains an entry for this variant (Variation ID: 569069). An algorithm developed to predict the effect of missense changes on protein structure and function (PolyPhen-2) suggests that this variant is likely to be tolerated. In summary, the available evidence is currently insufficient to determine the role of this variant in disease. Therefore, it has been classified as a Variant of Uncertain Significance.

Ambry Genetics
Classification: Likely benign. Last evaluated: 2024-03-07. Review status: criteria provided, single submitter. Criteria: Ambry Variant Classification Scheme 2023. Collection method: clinical testing. Allele origin: germline.

PreventionGenetics, part of Exact Sciences
Classification: Uncertain significance for MLH3-related condition. Last evaluated: 2023-03-14. Review status: criteria provided, single submitter. Criteria: ACMG Guidelines, 2015. Collection method: clinical testing. Allele origin: germline.
Comment: The MLH3 c.2435G>C variant is predicted to result in the amino acid substitution p.Ser812Thr. To our knowledge, this variant has not been reported in the literature. This variant is reported in 0.015% of alleles in individuals of European (Non-Finnish) descent in gnomAD. At this time, the clinical significance of this variant is uncertain due to the absence of conclusive functional and genetic evidence.

NM_001040108.2(MLH3):c.2435G>C (p.Ser812Thr)

Gene: MLH3 (mutL homolog 3; minus strand). Cytogenetic location: 14q24.3.
Variant type: single nucleotide variant.
Coding change: c.2435G>C on transcript NM_001040108.2 (MANE Select); coding-DNA position 2435, G replaced by C.
Protein change: p.Ser812Thr; replaces serine 812 with threonine.
Molecular consequence: missense variant.
Genome position (GRCh38, 1-based): chr14:75,047,221, C>G on the plus strand (G>C on the coding strand, the complement: MLH3 is on the minus strand). VCF-style: chr14-75047221-C-G. GRCh37 (hg19) VCF-style: chr14-75513924-C-G.
Other names: c.2435G>C, p.Ser812Thr (NM_014381.3); short protein forms S812T.
Identifiers: ClinVar variation 569069 (VCV000569069.17), dbSNP rs763408801, ClinGen allele CA7275706.
Genomic context (GRCh38, chr14:75,047,221, plus strand): 5'-AATGGAAACTTCTCTGAGTTAAGGATGTGGCTTGCTGGTTGACAACTACTATCTGAATCA[C>G]TATGCTCCATAGTAGTGATTTTACAAACATCAGAGTTCTCTAAGCGGTTCTTGTCCTTCA-3'
Protein context (NP_001035197.1, residues 802-822): DVCKITTMEH[Ser812Thr]DSDSSCQPAS